The following is an entry in ClinVar:

ClinVar aggregate classification (germline): Uncertain significance (1 of 4 stars; one submission).

Allele frequency attached by ClinVar (database versions not stated): gnomAD exomes below 0.00001; TOPMed below 0.00001.
gnomAD v4.1: 1 of 1,608,742 alleles (0.000062%); highest among the groups gnomAD compares: South Asian, 0.0011%; no homozygotes.

Submission:

Ambry Genetics
Classification: Uncertain significance. Last evaluated: 2021-10-05. Review status: criteria provided, single submitter. Criteria: Ambry Variant Classification Scheme 2023. Collection method: clinical testing. Allele origin: germline.
Comment: The p.H1106Y variant (also known as c.3316C>T), located in coding exon 19 of the PALLD gene, results from a C to T substitution at nucleotide position 3316. The histidine at codon 1106 is replaced by tyrosine, an amino acid with similar properties. This amino acid position is conserved. In addition, the in silico prediction for this alteration is inconclusive. Since supporting evidence is limited at this time, the clinical significance of this alteration remains unclear.

NM_001166108.2(PALLD):c.3367C>T (p.His1123Tyr)

Genes: CBR4 (carbonyl reductase 4; minus strand), PALLD (palladin, cytoskeletal associated protein; plus strand). Cytogenetic location: 4q32.3.
Variant type: single nucleotide variant.
Coding change: c.3367C>T on transcript NM_001166108.2 (MANE Select); coding-DNA position 3367, C replaced by T.
Protein change: p.His1123Tyr; replaces histidine 1123 with tyrosine.
Molecular consequence: missense variant. On other transcripts: intron variant (4).
Genome position (GRCh38, 1-based): chr4:168,925,241, C>T. VCF-style: chr4-168925241-C-T. GRCh37 (hg19) VCF-style: chr4-169846392-C-T.
Other names: c.1195C>T, p.His399Tyr (NM_001367567.1); c.1246C>T, p.His416Tyr (NM_001367570.1); c.3316C>T, p.His1106Tyr (NM_016081.4); c.2161+163C>T (NM_001166109.2); c.1846+163C>T (NM_001166110.2); c.1237+163C>T (NM_001367568.1); c.1186+163C>T (NM_001367569.1); short protein forms H1106Y, H1123Y, H399Y, H416Y.
Identifiers: ClinVar variation 1730137 (VCV001730137.2), dbSNP rs1762353882, ClinGen allele CA358714622.